The following is an entry in ClinVar:

ClinVar aggregate classification (germline): Uncertain significance (1 of 4 stars; one submission).

Submission:

Labcorp Genetics (formerly Invitae), Labcorp
Classification: Uncertain significance. Last evaluated: 2025-08-25. Review status: criteria provided, single submitter. Criteria: Invitae Variant Classification Sherloc (09022015). Collection method: clinical testing. Allele origin: germline.
Comment: This variant, c.2788_2805del, results in the deletion of 6 amino acid(s) of the CSF1R protein (p.Ser930_Ser935del), but otherwise preserves the integrity of the reading frame. This variant is present in population databases (no rsID available, gnomAD 0.003%). This variant has not been reported in the literature in individuals affected with CSF1R-related conditions. Experimental studies and prediction algorithms are not available or were not evaluated, and the functional significance of this variant is currently unknown. In summary, the available evidence is currently insufficient to determine the role of this variant in disease. Therefore, it has been classified as a Variant of Uncertain Significance.

NM_001288705.3(CSF1R):c.2788_2805del (p.Ser930_Ser935del)

Gene: CSF1R (colony stimulating factor 1 receptor; minus strand). Cytogenetic location: 5q32.
Variant type: Deletion.
Coding change: c.2788_2805del on transcript NM_001288705.3 (MANE Select); coding-DNA positions 2788 to 2805, 18 bases deleted (AGCAGAAGCGGTGGCAGC).
Protein change: p.Ser930_Ser935del.
Molecular consequence: non-coding transcript variant (on NR_109969.2).
Genome position (GRCh38, 1-based): chr5:150,054,183-150,054,200, GCTGCCACCGCTTCTGCT deleted on the plus strand (AGCAGAAGCGGTGGCAGC on the coding strand, the reverse complement: CSF1R is on the minus strand); deleting any 18 consecutive bases within chr5:150,054,183-150,054,205 gives the same sequence; the c. name uses the placement nearest the transcript's 3' end. VCF-style (leftmost placement, unchanged base first): chr5-150054182-CGCTGCCACCGCTTCTGCT-C. GRCh37 (hg19) VCF-style: chr5-149433745-CGCTGCCACCGCTTCTGCT-C.
Other names: c.2788_2805del, p.Ser930_Ser935del (NM_001375320.1, NM_005211.4, NM_001349736.2); c.2344_2361del, p.Ser782_Ser787del (NM_001375321.1).
Identifiers: ClinVar variation 4779401 (VCV004779401.1).